The following is an entry in ClinVar:

NM_006361.6(HOXB13):c.76A>G (p.Asn26Asp)

Gene: HOXB13 (homeobox B13; minus strand). Cytogenetic location: 17q21.32.
Variant type: single nucleotide variant.
Coding change: c.76A>G on transcript NM_006361.6 (MANE Select); coding-DNA position 76, A replaced by G.
Protein change: p.Asn26Asp; replaces asparagine 26 with aspartic acid.
Molecular consequence: missense variant.
Genome position (GRCh38, 1-based): chr17:48,728,518, T>C on the plus strand (A>G on the coding strand, the complement: HOXB13 is on the minus strand). VCF-style: chr17-48728518-T-C. GRCh37 (hg19) VCF-style: chr17-46805880-T-C.
Other names: short protein forms N26D.
Identifiers: ClinVar variation 690960 (VCV000690960.5), dbSNP rs1597935195, ClinGen allele CA400109577.

ClinVar aggregate classification (germline): Uncertain significance. Review status: criteria provided, multiple submitters, no conflicts (2 of 4 stars). 3 submissions from 3 submitters: Uncertain significance (2). 1 of the submissions does not count toward it. Last evaluated 2026-09-14.

Conditions:
Prostate cancer, hereditary, 1 (HPC1). Identifiers: Orphanet 1331, MedGen C4722327, MONDO:0011098, OMIM 601518.
Hereditary cancer-predisposing syndrome. Also called: Tumor predisposition; Hereditary Cancer Syndrome; Neoplastic Syndromes, Hereditary; Hereditary neoplastic syndrome. Identifiers: Orphanet 140162, MedGen C0027672, MeSH D009386, MONDO:0015356.

Submissions (3):

Ambry Genetics
Classification: Uncertain significance for Hereditary cancer-predisposing syndrome. Last evaluated: 2026-09-14. Review status: criteria provided, single submitter. Criteria: Ambry Variant Classification Scheme 2023. Collection method: clinical testing. Allele origin: germline.
Comment: The p.N26D variant (also known as c.76A>G), located in coding exon 1 of the HOXB13 gene, results from an A to G substitution at nucleotide position 76. The asparagine at codon 26 is replaced by aspartic acid, an amino acid with highly similar properties. This amino acid position is conserved. In addition, this alteration is predicted to be tolerated by in silico analysis. Based on the available evidence, the clinical significance of this variant remains unclear.

Labcorp Genetics (formerly Invitae), Labcorp
Classification: Uncertain significance. Last evaluated: 2024-03-13. Review status: criteria provided, single submitter. Criteria: Invitae Variant Classification Sherloc (09022015). Collection method: clinical testing. Allele origin: germline.
Comment: This sequence change replaces asparagine, which is neutral and polar, with aspartic acid, which is acidic and polar, at codon 26 of the HOXB13 protein (p.Asn26Asp). This variant is not present in population databases (gnomAD no frequency). This variant has not been reported in the literature in individuals affected with HOXB13-related conditions. ClinVar contains an entry for this variant (Variation ID: 690960). An algorithm developed to predict the effect of missense changes on protein structure and function (PolyPhen-2) suggests that this variant is likely to be disruptive. In summary, the available evidence is currently insufficient to determine the role of this variant in disease. Therefore, it has been classified as a Variant of Uncertain Significance.

Laboratory of Virology, Microbiology,  Quality and Medical Biotechnologies, Faculty of Sciences and Techniques - Mohammedia, Hassan II University of Casablanca
Classification: Uncertain significance for Prostate cancer, hereditary, 1. Review status: no assertion criteria provided. Collection method: clinical testing. Allele origin: somatic. Affected: yes. Not counted in ClinVar's aggregate classification.